The following is an entry in ClinVar:

ClinVar aggregate classification (germline): Uncertain significance (1 of 4 stars; one submission).

Conditions:
RASopathy. Also called: Noonan spectrum disorder; rasopathies. Identifiers: Orphanet 536391, MedGen C5555857, MONDO:0021060.

Submission:

Labcorp Genetics (formerly Invitae), Labcorp
Classification: Uncertain significance for RASopathy. Last evaluated: 2021-05-13. Review status: criteria provided, single submitter. Criteria: Invitae Variant Classification Sherloc (09022015). Collection method: clinical testing. Allele origin: germline.
Comment: This variant has not been reported in the literature in individuals with RAF1-related conditions. In summary, the available evidence is currently insufficient to determine the role of this variant in disease. Therefore, it has been classified as a Variant of Uncertain Significance. The current clinical and genetic evidence is not sufficient to establish whether loss-of-function variants in RAF1 cause disease. This variant is an out-of-frame deletion of the genomic region encompassing exons 11-12 of the RAF1 gene. This is expected to create a premature translational stop signal and result in an absent or disrupted protein product.

NC_000003.11:g.(?_12632277)_(12633311_?)del

Gene: RAF1 (Raf-1 proto-oncogene, serine/threonine kinase; minus strand). Cytogenetic location: 3p25.2.
Variant type: Deletion.
Identifiers: ClinVar variation 1511990 (VCV001511990.4).